The following is an entry in ClinVar:

NM_003185.4(TAF4):c.2548G>A (p.Ala850Thr)

Gene: TAF4 (TATA-box binding protein associated factor 4; minus strand). Cytogenetic location: 20q13.33.
Variant type: single nucleotide variant.
Coding change: c.2548G>A on transcript NM_003185.4 (MANE Select); coding-DNA position 2548, G replaced by A.
Protein change: p.Ala850Thr; replaces alanine 850 with threonine.
Molecular consequence: missense variant.
Genome position (GRCh38, 1-based): chr20:62,000,660, C>T on the plus strand (G>A on the coding strand, the complement: TAF4 is on the minus strand). VCF-style: chr20-62000660-C-T. GRCh37 (hg19) VCF-style: chr20-60575716-C-T.
Other names: short protein forms A850T.
Identifiers: ClinVar variation 4887358 (VCV004887358.1).

ClinVar aggregate classification (germline): Uncertain significance (1 of 4 stars; one submission).

Submission:

Women's Health and Genetics/Laboratory Corporation of America, LabCorp
Classification: Uncertain significance. Last evaluated: 2026-06-10. Review status: criteria provided, single submitter. Criteria: LabCorp Variant Classification Summary - May 2015. Collection method: clinical testing. Allele origin: germline.
Comment: Variant summary: TAF4 c.2548G>A (p.Ala850Thr) results in a non-conservative amino acid change in the encoded protein sequence. Algorithms developed to predict the effect of missense changes on protein structure and function are either unavailable or do not agree on the potential impact of this missense change. The variant was absent in 251488 control chromosomes. The available data on variant occurrences in the general population are insufficient to allow any conclusion about variant significance. To our knowledge, no occurrence of c.2548G>A in individuals affected with TAF4-related conditions and no experimental evidence demonstrating its impact on protein function have been reported. No submitters have cited clinical-significance assessments for this variant to ClinVar. Based on the evidence outlined above, the variant was classified as uncertain significance.